The following is an entry in ClinVar:

NM_016235.3(GPRC5B):c.402G>A (p.Ala134=)

Gene: GPRC5B (G protein-coupled receptor class C group 5 member B; minus strand). Cytogenetic location: 16p12.3.
Variant type: single nucleotide variant.
Coding change: c.402G>A on transcript NM_016235.3 (MANE Select); coding-DNA position 402, G replaced by A.
Protein change: p.Ala134=; no amino-acid change (alanine 134 retained).
Molecular consequence: synonymous variant.
Genome position (GRCh38, 1-based): chr16:19,872,444, C>T on the plus strand (G>A on the coding strand, the complement: GPRC5B is on the minus strand). VCF-style: chr16-19872444-C-T. GRCh37 (hg19) VCF-style: chr16-19883766-C-T.
Other names: c.795G>A, p.Ala265= (NM_001304771.1).
Identifiers: ClinVar variation 4821313 (VCV004821313.4).

ClinVar aggregate classification (germline): Likely benign (1 of 4 stars; one submission).

gnomAD v4.1: 279 of 1,613,936 alleles (0.017%); highest among the groups gnomAD compares: East Asian, 0.38%; no homozygotes.

Submission:

CeGaT Center for Human Genetics Tuebingen
Classification: Likely benign. Last evaluated: 2026-08-01. Review status: criteria provided, single submitter. Criteria: CeGaT Center For Human Genetics Tuebingen Variant Classification Criteria Version 2. Collection method: clinical testing. Allele origin: germline. Affected: yes. Observed: 2 variant alleles.
Comment: GPRC5B: BP4, BP7